The following is an entry in ClinVar:

ClinVar aggregate classification (germline): Uncertain significance. Review status: criteria provided, multiple submitters, no conflicts (2 of 4 stars). 4 submissions from 4 submitters: Uncertain significance (4). Last evaluated 2026-09-03.

Conditions:
Inborn genetic diseases. Identifiers: MedGen C0950123, MeSH D030342.
ABCA4-related disorder. Also called: ABCA4-related disorders; ABCA4-related condition. Identifiers: MedGen CN239167.

Allele frequency attached by ClinVar (database versions not stated): TOPMed 0.00002; gnomAD exomes 0.00003 and 0.00006; ExAC 0.00005.
gnomAD v4.1: 16 of 1,614,188 alleles (0.00099%); highest among the groups gnomAD compares: Admixed American, 0.025%; no homozygotes.

Submissions (4):

PreventionGenetics, part of Exact Sciences
Classification: Uncertain significance for ABCA4-related condition. Last evaluated: 2026-09-03. Review status: criteria provided, single submitter. Criteria: ACMG Guidelines, 2015. Collection method: clinical testing. Allele origin: germline.
Comment: The ABCA4 c.1153A>G variant is predicted to result in the amino acid substitution p.Ile385Val. To our knowledge, this variant has not been reported in the literature. This variant is reported in 0.040% of alleles in individuals of Latino descent in gnomAD. At this time, the clinical significance of this variant is uncertain due to the absence of conclusive functional and genetic evidence.

Ambry Genetics
Classification: Uncertain significance for Inborn genetic diseases. Last evaluated: 2024-02-27. Review status: criteria provided, single submitter. Criteria: Ambry Variant Classification Scheme 2023. Collection method: clinical testing. Allele origin: germline.

Labcorp Genetics (formerly Invitae), Labcorp
Classification: Uncertain significance. Last evaluated: 2022-10-24. Review status: criteria provided, single submitter. Criteria: Invitae Variant Classification Sherloc (09022015). Collection method: clinical testing. Allele origin: germline.
Comment: This sequence change replaces isoleucine, which is neutral and non-polar, with valine, which is neutral and non-polar, at codon 385 of the ABCA4 protein (p.Ile385Val). This variant is present in population databases (rs753720666, gnomAD 0.04%). This variant has not been reported in the literature in individuals affected with ABCA4-related conditions. ClinVar contains an entry for this variant (Variation ID: 1026028). Advanced modeling of protein sequence and biophysical properties (such as structural, functional, and spatial information, amino acid conservation, physicochemical variation, residue mobility, and thermodynamic stability) has been performed at Invitae for this missense variant, however the output from this modeling did not meet the statistical confidence thresholds required to predict the impact of this variant on ABCA4 protein function. In summary, the available evidence is currently insufficient to determine the role of this variant in disease. Therefore, it has been classified as a Variant of Uncertain Significance.

Blueprint Genetics
Classification: Uncertain significance. Last evaluated: 2019-10-29. Review status: criteria provided, single submitter. Criteria: ACMG Guidelines, 2015. Collection method: clinical testing. Allele origin: germline.

NM_000350.3(ABCA4):c.1153A>G (p.Ile385Val)

Gene: ABCA4 (ATP binding cassette subfamily A member 4; minus strand). Cytogenetic location: 1p22.1.
Variant type: single nucleotide variant.
Coding change: c.1153A>G on transcript NM_000350.3 (MANE Select); coding-DNA position 1153, A replaced by G.
Protein change: p.Ile385Val; replaces isoleucine 385 with valine.
Molecular consequence: missense variant.
Genome position (GRCh38, 1-based): chr1:94,079,408, T>C on the plus strand (A>G on the coding strand, the complement: ABCA4 is on the minus strand). VCF-style: chr1-94079408-T-C. GRCh37 (hg19) VCF-style: chr1-94544964-T-C.
Other names: c.1153A>G, p.Ile385Val (NM_001425324.1); c.1153A>G (NM_000350.2); short protein forms I385V.
Identifiers: ClinVar variation 1026028 (VCV001026028.7), dbSNP rs753720666, ClinGen allele CA958624.